The following is an entry in ClinVar:

NM_000153.4(GALC):c.1054C>T (p.Gln352Ter)

Gene: GALC (galactosylceramidase; minus strand). Cytogenetic location: 14q31.3.
Variant type: single nucleotide variant.
Coding change: c.1054C>T on transcript NM_000153.4 (MANE Select); coding-DNA position 1054, C replaced by T.
Protein change: p.Gln352Ter; replaces glutamine 352 with a stop codon.
Molecular consequence: nonsense. On other transcripts: non-coding transcript variant (1).
Genome position (GRCh38, 1-based): chr14:87,963,491, G>A on the plus strand (C>T on the coding strand, the complement: GALC is on the minus strand). VCF-style: chr14-87963491-G-A. GRCh37 (hg19) VCF-style: chr14-88429835-G-A.
Other names: c.985C>T, p.Gln329Ter (NM_001201401.2); c.976C>T, p.Gln326Ter (NM_001201402.2); c.886C>T, p.Gln296Ter (NM_001424071.1, NM_001424072.1, NM_001424073.1); c.706C>T, p.Gln236Ter (NM_001424074.1, NM_001424075.1); c.421C>T, p.Gln141Ter (NM_001424076.1, NM_001424077.1); short protein forms Q141*, Q236*, Q296*, Q326*, Q329*, Q352*.
Identifiers: ClinVar variation 5014729 (VCV005014729.1).
Genomic context (GRCh38, chr14:87,963,491, plus strand): 5'-CTACGTAGCTTCCTCCTTTCTCTAAATGGCCAACTGTCTTCAGGTAATACCAGCCAGGTT[G>A]AGTAAACTGAGTGGTATGAGCTATAGAAAAACAGAAAGTTCCAAATAAGACAAAAATGGT-3'

ClinVar aggregate classification (germline): Pathogenic (1 of 4 stars; one submission).

Conditions:
Galactosylceramide beta-galactosidase deficiency. Also called: GALACTOCEREBROSIDASE DEFICIENCY; GALC DEFICIENCY; GLOBOID CELL LEUKOENCEPHALOPATHY; Leukodystrophy, Globoid Cell; Krabbe Disease. Identifiers: Orphanet 487, MedGen C0023521, MONDO:0009499, OMIM 245200.

Submission:

Myriad Genetics, Inc.
Classification: Pathogenic for Galactosylceramide beta-galactosidase deficiency. Last evaluated: 2025-11-10. Review status: criteria provided, single submitter. Criteria: Myriad Autosomal Dominant, Autosomal Recessive and X-Linked Classification Criteria (2023). Collection method: clinical testing. Allele origin: unknown.
Comment: NM_000153.3(GALC):c.1054C>T(Q352*) is expected to be pathogenic in the context of Krabbe disease. This variant is predicted to lead to an abnormal or absent protein product due to the creation of a premature termination codon in GALC, a gene where loss-of-function variants are known to be pathogenic. Please note: this variant was assessed in the context of healthy population screening.